The following is an entry in ClinVar:

ClinVar aggregate classification (germline): Likely benign (0 of 4 stars; one submission).

Conditions:
FAT3-related disorder. Also called: FAT3-related condition.

Allele frequency attached by ClinVar (database versions not stated): ESP Exome Variant Server 0.00026; 1000 Genomes Project 30x 0.00031; 1000 Genomes Project 0.00040; ExAC 0.00046; gnomAD exomes 0.00053; gnomAD 0.00062; TOPMed 0.00099.
gnomAD v4.1: 830 of 1,537,110 alleles (0.054%); highest among the groups gnomAD compares: Middle Eastern, 0.21%; no homozygotes.

Submission:

PreventionGenetics, part of Exact Sciences
Classification: Likely benign for FAT3-related condition. Last evaluated: 2019-02-21. Review status: no assertion criteria provided. Collection method: clinical testing. Allele origin: germline.
Comment: This variant is classified as likely benign based on ACMG/AMP sequence variant interpretation guidelines (Richards et al. 2015 PMID: 25741868, with internal and published modifications).

NM_001367949.2(FAT3):c.9247+10A>T

Gene: FAT3 (FAT atypical cadherin 3; plus strand). Cytogenetic location: 11q14.3.
Variant type: single nucleotide variant.
Coding change: c.9247+10A>T on transcript NM_001367949.2 (MANE Select); 10 bases into the intron after coding-DNA position 9247, A replaced by T.
Molecular consequence: intron variant.
Genome position (GRCh38, 1-based): chr11:92,806,525, A>T. VCF-style: chr11-92806525-A-T. GRCh37 (hg19) VCF-style: chr11-92539691-A-T.
Other names: c.9247+10A>T (NM_001008781.3).
Identifiers: ClinVar variation 3051134 (VCV003051134.2), dbSNP rs375539433, ClinGen allele CA6227806.